The following is an entry in ClinVar:

ClinVar aggregate classification (germline): Uncertain significance (1 of 4 stars; one submission).

Submission:

Ambry Genetics
Classification: Uncertain significance. Last evaluated: 2022-04-21. Review status: criteria provided, single submitter. Criteria: Ambry Variant Classification Scheme 2023. Collection method: clinical testing. Allele origin: germline.
Comment: The p.M342L variant (also known as c.1024A>T), located in coding exon 8 of the RINT1 gene, results from an A to T substitution at nucleotide position 1024. The methionine at codon 342 is replaced by leucine, an amino acid with highly similar properties. This amino acid position is conserved. In addition, this alteration is predicted to be tolerated by in silico analysis. Since supporting evidence is limited at this time, the clinical significance of this alteration remains unclear.

NM_021930.6(RINT1):c.1024A>T (p.Met342Leu)

Gene: RINT1 (RAD50 interactor 1; plus strand). Cytogenetic location: 7q22.3.
Variant type: single nucleotide variant.
Coding change: c.1024A>T on transcript NM_021930.6 (MANE Select); coding-DNA position 1024, A replaced by T.
Protein change: p.Met342Leu; replaces methionine 342 with leucine.
Molecular consequence: missense variant. On other transcripts: initiator codon variant (2), non-coding transcript variant (1).
Genome position (GRCh38, 1-based): chr7:105,550,082, A>T. VCF-style: chr7-105550082-A-T. GRCh37 (hg19) VCF-style: chr7-105190529-A-T.
Other names: c.790A>T, p.Met264Leu (NM_001346599.2); c.1A>T, p.Met1Leu (NM_001346600.2, NM_001346603.2); c.100A>T, p.Met34Leu (NM_001346601.2); short protein forms M342L, M34L, M1L, M264L.
Identifiers: ClinVar variation 1769009 (VCV001769009.3), dbSNP rs2485131868, ClinGen allele CA368808262.